The following is an entry in ClinVar:

NM_001287.6(CLCN7):c.32C>A (p.Ser11Tyr)

Genes: CLCN7 (Cl-/H+ antiporter 7; minus strand), LOC130058166 (ATAC-STARR-seq lymphoblastoid silent region 6986; plus strand). Cytogenetic location: 16p13.3.
Variant type: single nucleotide variant.
Coding change: c.32C>A on transcript NM_001287.6 (MANE Select); coding-DNA position 32, C replaced by A.
Protein change: p.Ser11Tyr; replaces serine 11 with tyrosine.
Molecular consequence: missense variant.
Genome position (GRCh38, 1-based): chr16:1,474,943, G>T on the plus strand (C>A on the coding strand, the complement: CLCN7 is on the minus strand). VCF-style: chr16-1474943-G-T. GRCh37 (hg19) VCF-style: chr16-1524944-G-T.
Other names: c.32C>A, p.Ser11Tyr (NM_001114331.3); short protein forms S11Y.
Identifiers: ClinVar variation 4764486 (VCV004764486.1).
Genomic context (GRCh38, chr16:1,474,943, plus strand): 5'-CCGGGCCGCGCCGTCCTCCGCAGCAGCGGCGCCGCCTCCTCGTCGTCCCGGTCCCGGCCG[G>T]ACCAGGACACCTTCTTAGAGACGTTGGCCATGGCCCGCCGCGGAGCGACACCGGCCGGGA-3'
Protein context (NP_001278.1, residues 1-21): MANVSKKVSW[Ser11Tyr]GRDRDDEEAA

ClinVar aggregate classification (germline): Uncertain significance (1 of 4 stars; one submission).

Submission:

Labcorp Genetics (formerly Invitae), Labcorp
Classification: Uncertain significance. Last evaluated: 2025-11-13. Review status: criteria provided, single submitter. Criteria: Invitae Variant Classification Sherloc (09022015). Collection method: clinical testing. Allele origin: germline.
Comment: This sequence change replaces serine, which is neutral and polar, with tyrosine, which is neutral and polar, at codon 11 of the CLCN7 protein (p.Ser11Tyr). This variant is not present in population databases (gnomAD no frequency). This variant has not been reported in the literature in individuals affected with CLCN7-related conditions. An algorithm developed to predict the effect of missense changes on protein structure and function (PolyPhen-2) suggests that this variant is likely to be disruptive. In summary, the available evidence is currently insufficient to determine the role of this variant in disease. Therefore, it has been classified as a Variant of Uncertain Significance.